The following is an entry in ClinVar:

NM_001267550.2(TTN):c.73216G>A (p.Gly24406Arg)

Genes: TTN (titin; minus strand), TTN-AS1 (TTN antisense RNA 1; plus strand). Cytogenetic location: 2q31.2.
Variant type: single nucleotide variant.
Coding change: c.73216G>A on transcript NM_001267550.2 (MANE Select); coding-DNA position 73216, G replaced by A.
Protein change: p.Gly24406Arg; replaces glycine 24406 with arginine.
Molecular consequence: missense variant.
Genome position (GRCh38, 1-based): chr2:178,572,916, C>T on the plus strand (G>A on the coding strand, the complement: TTN is on the minus strand). VCF-style: chr2-178572916-C-T. GRCh37 (hg19) VCF-style: chr2-179437643-C-T.
Other names: c.68293G>A, p.Gly22765Arg (NM_001256850.1); c.46021G>A, p.Gly15341Arg (NM_003319.4); c.65512G>A, p.Gly21838Arg (NM_133378.4); c.46396G>A, p.Gly15466Arg (NM_133432.3); c.46597G>A, p.Gly15533Arg (NM_133437.4); short protein forms G15466R, G24406R, G15533R, G15341R, G21838R, G22765R.
Identifiers: ClinVar variation 1741828 (VCV001741828.2), dbSNP rs2468560825, ClinGen allele CA349643219.
Genomic context (GRCh38, chr2:178,572,916, plus strand): 5'-GAGGCAGCATTCTGTCTTCAGCCTTTGGAGTTCCAGGAACAAGGGCAGGTTCCCCAAGTC[C>T]TTCGGAATTCATGGCATAGATGCGGATCTTATATTCCTGATTCTCTGTGAGGCCAGTGAT-3'
Protein context (NP_001254479.2, residues 24396-24416): KIRIYAMNSE[Gly24406Arg]LGEPALVPGT

ClinVar aggregate classification (germline): Uncertain significance (1 of 4 stars; one submission).

Conditions:
Cardiovascular phenotype. Identifiers: MedGen CN230736.

Submission:

Ambry Genetics
Classification: Uncertain significance for Cardiovascular phenotype. Last evaluated: 2019-06-26. Review status: criteria provided, single submitter. Criteria: Ambry Variant Classification Scheme 2023. Collection method: clinical testing. Allele origin: germline.
Comment: The p.G15341R variant (also known as c.46021G>A), located in coding exon 153 of the TTN gene, results from a G to A substitution at nucleotide position 46021. The glycine at codon 15341 is replaced by arginine, an amino acid with dissimilar properties. This amino acid position is highly conserved in available vertebrate species. In addition, the in silico prediction for this alteration is inconclusive. Since supporting evidence is limited at this time, the clinical significance of this alteration remains unclear.